The following is an entry in ClinVar:

ClinVar aggregate classification (germline): Uncertain significance (1 of 4 stars; one submission).

Allele frequency attached by ClinVar (database versions not stated): ExAC 0.00001; gnomAD 0.00002; TOPMed 0.00002.
gnomAD v4.1: 18 of 1,613,954 alleles (0.0011%); highest among the groups gnomAD compares: Middle Eastern, 0.016%; no homozygotes.

Submission:

Labcorp Genetics (formerly Invitae), Labcorp
Classification: Uncertain significance. Last evaluated: 2023-04-06. Review status: criteria provided, single submitter. Criteria: Invitae Variant Classification Sherloc (09022015). Collection method: clinical testing. Allele origin: germline.
Comment: This sequence change replaces arginine, which is basic and polar, with cysteine, which is neutral and slightly polar, at codon 340 of the TRAP1 protein (p.Arg340Cys). This variant is present in population databases (rs775599442, gnomAD 0.003%). This variant has not been reported in the literature in individuals affected with TRAP1-related conditions. Advanced modeling of protein sequence and biophysical properties (such as structural, functional, and spatial information, amino acid conservation, physicochemical variation, residue mobility, and thermodynamic stability) performed at Invitae indicates that this missense variant is expected to disrupt TRAP1 protein function. In summary, the available evidence is currently insufficient to determine the role of this variant in disease. Therefore, it has been classified as a Variant of Uncertain Significance.

NM_016292.3(TRAP1):c.1018C>T (p.Arg340Cys)

Gene: TRAP1 (TNF receptor associated protein 1; minus strand). Cytogenetic location: 16p13.3.
Variant type: single nucleotide variant.
Coding change: c.1018C>T on transcript NM_016292.3 (MANE Select); coding-DNA position 1018, C replaced by T.
Protein change: p.Arg340Cys; replaces arginine 340 with cysteine.
Molecular consequence: missense variant.
Genome position (GRCh38, 1-based): chr16:3,674,365, G>A on the plus strand (C>T on the coding strand, the complement: TRAP1 is on the minus strand). VCF-style: chr16-3674365-G-A. GRCh37 (hg19) VCF-style: chr16-3724366-G-A.
Other names: c.859C>T, p.Arg287Cys (NM_001272049.2); short protein forms R340C, R287C.
Identifiers: ClinVar variation 2916688 (VCV002916688.3), dbSNP rs775599442, ClinGen allele CA7868353.
Genomic context (GRCh38, chr16:3,674,365, plus strand): 5'-CCCTGAGGGCCGTGGGACTGCCACAGTGCCTCACCATGTCGGGCACGTAGAAGATGCTGC[G>A]GATGTTGAGCGGTGCGTCCGTCTTATAGTGCAGGGTGTAGCGGGGCTTGTCGTGAGCCTG-3'
Protein context (NP_057376.2, residues 330-350): HYKTDAPLNI[Arg340Cys]SIFYVPDMKP